The following is an entry in ClinVar:

NM_001195553.2(DCX):c.600C>A (p.Asn200Lys)

Gene: DCX (doublecortin; minus strand). Cytogenetic location: Xq23.
Variant type: single nucleotide variant.
Coding change: c.600C>A on transcript NM_001195553.2 (MANE Select); coding-DNA position 600, C replaced by A.
Protein change: p.Asn200Lys; replaces asparagine 200 with lysine.
Molecular consequence: missense variant.
Genome position (GRCh38, 1-based): chrX:111,401,095, G>T on the plus strand (C>A on the coding strand, the complement: DCX is on the minus strand). VCF-style: chrX-111401095-G-T. GRCh37 (hg19) VCF-style: chrX-110644323-G-T.
Other names: c.843C>A, p.Asn281Lys (NM_000555.3); c.600C>A, p.Asn200Lys (NM_001369370.1, NM_001369371.1, NM_001369372.1 and 6 more transcripts); short protein forms N281K, N200K.
Identifiers: ClinVar variation 5001562 (VCV005001562.1).
Genomic context (GRCh38, chrX:111,401,095, plus strand): 5'-CAGTTTGATGGCTTCTGTGATATCAGTGAGGACTTGCTCAAAAGAGTGGGCTGTCTTCTT[G>T]TTCAGAAGCACACGCACAGCCTTCCGAGGCTTCACCCCACTGCGGATGATGGTAACCAGC-3'
Protein context (NP_001182482.1, residues 190-210): KPRKAVRVLL[Asn200Lys]KKTAHSFEQV

ClinVar aggregate classification (germline): Likely pathogenic (1 of 4 stars; one submission).

Conditions:
DCX-related disorder. Also called: DCX-related condition; DCX-Related Disorders. Identifiers: MedGen CN381525.

Submission:

PreventionGenetics, part of Exact Sciences
Classification: Likely pathogenic for DCX-related condition. Last evaluated: 2025-11-11. Review status: criteria provided, single submitter. Criteria: ACMG Guidelines, 2015. Collection method: clinical testing. Allele origin: germline.
Comment: The DCX c.843C>A variant is predicted to result in the amino acid substitution p.Asn281Lys. Of note, this variant is also referred to as c.600C>A (p.Asn200Lys) with alternate transcript NM_178153. To our knowledge, this variant has not been reported in the literature or in a large population database (gnomAD), indicating this variant is rare. An alternate nucleotide substitution impacting the same amino acid (reported as c.600C>G, p.Asn200Lys) has been reported in individuals with double cortex syndrome and in an individual with drug-resistant focal epilepsy (Sossey-Alaoui et al. 1998. PubMed ID: 9668176; Gleeson et al. 1999. PubMed ID: 9989615; Guerrini. 2005. PubMed ID: 15816977). Another different substitution at the same amino acid (reported as c.599A>T, p.Asn200Ile) has been reported in an individual with thick subcortical band heterotopia (Matsumoto et al. 2001. PubMed ID: 11175293). Taken together, we classify this variant as likely pathogenic.